The following is an entry in ClinVar:

ClinVar aggregate classification (germline): Uncertain significance (1 of 4 stars; one submission).

gnomAD v4.1: 92 of 1,551,994 alleles (0.0059%); highest among the groups gnomAD compares: African/African-American, 0.11%; no homozygotes.

Submission:

Greenwood Genetic Center Diagnostic Laboratories, Greenwood Genetic Center
Classification: Uncertain significance. Last evaluated: 2025-04-10. Review status: criteria provided, single submitter. Criteria: ACMG Guidelines, 2015. Collection method: clinical testing. Allele origin: germline. Affected: yes.
Comment: BP4

NM_173348.2(FAM149B1):c.1469G>A (p.Arg490Lys)

Genes: DNAJC9 (DnaJ heat shock protein family (Hsp40) member C9; minus strand), FAM149B1 (family with sequence similarity 149 member B1; plus strand). Cytogenetic location: 10q22.2.
Variant type: single nucleotide variant.
Coding change: c.1469G>A on transcript NM_173348.2 (MANE Select); coding-DNA position 1469, G replaced by A.
Protein change: p.Arg490Lys; replaces arginine 490 with lysine.
Molecular consequence: missense variant.
Genome position (GRCh38, 1-based): chr10:73,234,933, G>A. VCF-style: chr10-73234933-G-A. GRCh37 (hg19) VCF-style: chr10-74994691-G-A.
Other names: short protein forms R490K.
Identifiers: ClinVar variation 4538332 (VCV004538332.1).